The following is an entry in ClinVar:

NM_001903.5(CTNNA1):c.1337_1338insACCT (p.Val447fs)

Gene: CTNNA1 (catenin alpha 1; plus strand). Cytogenetic location: 5q31.2.
Variant type: Insertion.
Coding change: c.1337_1338insACCT on transcript NM_001903.5 (MANE Select); coding-DNA positions 1337 to 1338, ACCT inserted.
Protein change: p.Val447fs; shifts the reading frame from valine 447.
Molecular consequence: frameshift variant. On other transcripts: 5 prime UTR variant (6), intron variant (3).
Genome position: GRCh38 VCF-style: chr5-138904389-G-GACCT. GRCh37 (hg19) VCF-style: chr5-138240078-G-GACCT.
Other names: c.1337_1338insACCT, p.Val447fs (NM_001290307.3, NM_001323982.2, NM_001323983.1 and 2 more transcripts); c.1028_1029insACCT, p.Val344fs (NM_001290309.3); c.968_969insACCT, p.Val324fs (NM_001290310.3); c.227_228insACCT, p.Val77fs (NM_001290312.1, NM_001323987.1, NM_001323988.1 and 17 more transcripts); c.-171_-170insACCT (NM_001324006.1, NM_001324007.1, NM_001324008.1 and 1 more transcripts); c.-17_-16insACCT (NM_001324012.1, NM_001324013.1); c.1297-13353_1297-13352insACCT (NM_001323986.2); c.187-13353_187-13352insACCT (NM_001324011.1); and 2 more; short protein forms V344fs, V324fs, V77fs, V447fs.
Identifiers: ClinVar variation 3653855 (VCV003653855.4).

ClinVar aggregate classification (germline): Pathogenic. Review status: criteria provided, multiple submitters, no conflicts (2 of 4 stars). 2 submissions from 2 submitters: Pathogenic (2). Last evaluated 2025-07-15.

Conditions:
Hereditary cancer-predisposing syndrome. Also called: Hereditary Cancer Syndrome; Neoplastic Syndromes, Hereditary; Hereditary neoplastic syndrome; Tumor predisposition. Identifiers: Orphanet 140162, MedGen C0027672, MeSH D009386, MONDO:0015356.

Submissions (2):

Ambry Genetics
Classification: Pathogenic for Hereditary cancer-predisposing syndrome. Last evaluated: 2025-07-15. Review status: criteria provided, single submitter. Criteria: Ambry Variant Classification Scheme 2023. Collection method: clinical testing. Allele origin: germline.
Comment: The c.1337_1338insACCT pathogenic mutation, located in coding exon 9 of the CTNNA1 gene, results from an insertion of 4 nucleotides at position 1337, causing a translational frameshift with a predicted alternate stop codon (p.V447Pfs*21). This variant is considered to be rare based on population cohorts in the Genome Aggregation Database (gnomAD). This alteration is expected to result in loss of function by premature protein truncation or nonsense-mediated mRNA decay. As such, this variant is interpreted as a disease-causing mutation.

Labcorp Genetics (formerly Invitae), Labcorp
Classification: Pathogenic. Last evaluated: 2024-05-19. Review status: criteria provided, single submitter. Criteria: Invitae Variant Classification Sherloc (09022015). Collection method: clinical testing. Allele origin: germline.
Comment: This sequence change creates a premature translational stop signal (p.Val447Profs*21) in the CTNNA1 gene. It is expected to result in an absent or disrupted protein product. Loss-of-function variants in CTNNA1 are known to be pathogenic (PMID: 32051609, 34425242). This variant is not present in population databases (gnomAD no frequency). This variant has not been reported in the literature in individuals affected with CTNNA1-related conditions. For these reasons, this variant has been classified as Pathogenic.

Literature cited by the submitters: PubMed 32051609 (cited by Labcorp Genetics (formerly Invitae), Labcorp); PubMed 34425242 (cited by Labcorp Genetics (formerly Invitae), Labcorp).